The following is an entry in ClinVar:

ClinVar aggregate classification (germline): Likely benign. Review status: criteria provided, multiple submitters, no conflicts (2 of 4 stars). 2 submissions from 2 submitters: Likely benign (2). Last evaluated 2018-06-16.

Allele frequency attached by ClinVar (database versions not stated): gnomAD 0.01157 and 0.01436; TOPMed 0.01282; gnomAD exomes 0.01536; 1000 Genomes Project 30x 0.04575; 1000 Genomes Project 0.04872.
gnomAD v4.1: 17,507 of 1,139,660 alleles (1.5%); highest among the groups gnomAD compares: East Asian, 13%; 545 homozygotes.

Submissions (2):

GeneDx
Classification: Likely benign. Last evaluated: 2018-06-16. Review status: criteria provided, single submitter. Criteria: GeneDx Variant Classification (06012015). Collection method: clinical testing. Allele origin: germline. Affected: yes.
Comment: This variant is considered likely benign or benign based on one or more of the following criteria: it is a conservative change, it occurs at a poorly conserved position in the protein, it is predicted to be benign by multiple in silico algorithms, and/or has population frequency not consistent with disease.

Breakthrough Genomics
Classification: Likely benign. Review status: criteria provided, single submitter. Criteria: ACMG Guidelines, 2015. Collection method: not provided. Allele origin: germline. Inheritance: Autosomal recessive inheritance. Affected: yes.

NM_002474.3(MYH11):c.3294-101C>G

Gene: MYH11 (myosin heavy chain 11; minus strand). Cytogenetic location: 16p13.11.
Variant type: single nucleotide variant.
Coding change: c.3294-101C>G on transcript NM_002474.3 (MANE Select); 101 bases into the intron before coding-DNA position 3294, C replaced by G.
Molecular consequence: intron variant.
Genome position (GRCh38, 1-based): chr16:15,735,679, G>C on the plus strand (C>G on the coding strand, the complement: MYH11 is on the minus strand). VCF-style: chr16-15735679-G-C. GRCh37 (hg19) VCF-style: chr16-15829536-G-C.
Other names: c.3294-101C>G (NM_022844.3); c.3315-101C>G (NM_001040114.2, NM_001040113.2).
Identifiers: ClinVar variation 674681 (VCV000674681.2), dbSNP rs2272556, ClinGen allele CA278621663.
Genomic context (GRCh38, chr16:15,735,679, plus strand): 5'-TTGGTTTCCTCTCTTACAATGTGGCCAAAAACTTTTCTGGGACCAGACAGTTATGTTGCA[G>C]AGACATCAAACACCTTCTATCCATGTCCCCAGGTCTGCTTCTTGACATGCCAGACTATAT-3'